The following is an entry in ClinVar:

NM_000080.4(CHRNE):c.994A>T (p.Thr332Ser)

Gene: CHRNE (cholinergic receptor nicotinic epsilon subunit; minus strand). Cytogenetic location: 17p13.2.
Variant type: single nucleotide variant.
Coding change: c.994A>T on transcript NM_000080.4 (MANE Select); coding-DNA position 994, A replaced by T.
Protein change: p.Thr332Ser; replaces threonine 332 with serine.
Molecular consequence: missense variant.
Genome position (GRCh38, 1-based): chr17:4,899,506, T>A on the plus strand (A>T on the coding strand, the complement: CHRNE is on the minus strand). VCF-style: chr17-4899506-T-A. GRCh37 (hg19) VCF-style: chr17-4802801-T-A.
Other names: short protein forms T332S.
Identifiers: ClinVar variation 4868964 (VCV004868964.1).

ClinVar aggregate classification (germline): Uncertain significance (1 of 4 stars; one submission).

Conditions:
Inborn genetic diseases. Identifiers: MedGen C0950123, MeSH D030342.

gnomAD v4.1: 1 of 1,603,152 alleles (0.000062%); highest among the groups gnomAD compares: Admixed American, 0.0017%; no homozygotes.

Submission:

Ambry Genetics
Classification: Uncertain significance for Inborn genetic diseases. Last evaluated: 2026-04-15. Review status: criteria provided, single submitter. Criteria: Ambry Variant Classification Scheme 2023. Collection method: clinical testing. Allele origin: germline.
Comment: The c.994A>T (p.T332S) alteration is located in exon 9 (coding exon 9) of the CHRNE gene. This alteration results from a A to T substitution at nucleotide position 994, causing the threonine (T) at amino acid position 332 to be replaced by a serine (S). Based on data from gnomAD, the T allele has an overall frequency of <0.001% (1/230374) total alleles studied. The highest observed frequency was 0.003% (1/32740) of Latino alleles. Based on insufficient or conflicting evidence, the clinical significance of this alteration remains unclear.